The following is an entry in ClinVar:

ClinVar aggregate classification (germline): Uncertain significance. Review status: criteria provided, multiple submitters, no conflicts (2 of 4 stars). 2 submissions from 2 submitters: Uncertain significance (2). Last evaluated 2026-01-12.

gnomAD v4.1: 7 of 1,594,210 alleles (0.00044%); highest among the groups gnomAD compares: Non-Finnish European, 0.0006%; no homozygotes.

Submissions (2):

Labcorp Genetics (formerly Invitae), Labcorp
Classification: Uncertain significance. Last evaluated: 2026-01-12. Review status: criteria provided, single submitter. Criteria: Invitae Variant Classification Sherloc (09022015). Collection method: clinical testing. Allele origin: germline.
Comment: This sequence change replaces alanine, which is neutral and non-polar, with glutamic acid, which is acidic and polar, at codon 221 of the DNA2 protein (p.Ala221Glu). The frequency data for this variant in the population databases is considered unreliable, as metrics indicate poor data quality at this position in the gnomAD database. This variant has not been reported in the literature in individuals affected with DNA2-related conditions. ClinVar contains an entry for this variant (Variation ID: 1311400). Invitae Evidence Modeling of protein sequence and biophysical properties (such as structural, functional, and spatial information, amino acid conservation, physicochemical variation, residue mobility, and thermodynamic stability) indicates that this missense variant is expected to disrupt DNA2 protein function with a positive predictive value of 80%. In summary, the available evidence is currently insufficient to determine the role of this variant in disease. Therefore, it has been classified as a Variant of Uncertain Significance.

GeneDx
Classification: Uncertain significance. Last evaluated: 2020-01-10. Review status: criteria provided, single submitter. Criteria: GeneDx Variant Classification Process June 2021. Collection method: clinical testing. Allele origin: germline. Affected: yes.
Comment: In silico analysis, which includes protein predictors and evolutionary conservation, supports a deleterious effect; Has not been previously published as pathogenic or benign to our knowledge

NM_001080449.3(DNA2):c.662C>A (p.Ala221Glu)

Gene: DNA2 (DNA replication helicase/nuclease 2; minus strand). Cytogenetic location: 10q21.3.
Variant type: single nucleotide variant.
Coding change: c.662C>A on transcript NM_001080449.3 (MANE Select); coding-DNA position 662, C replaced by A.
Protein change: p.Ala221Glu; replaces alanine 221 with glutamic acid.
Molecular consequence: missense variant. On other transcripts: non-coding transcript variant (1).
Genome position (GRCh38, 1-based): chr10:68,459,161, G>T on the plus strand (C>A on the coding strand, the complement: DNA2 is on the minus strand). VCF-style: chr10-68459161-G-T. GRCh37 (hg19) VCF-style: chr10-70218918-G-T.
Other names: short protein forms A221E.
Identifiers: ClinVar variation 1311400 (VCV001311400.3), dbSNP rs751031650, ClinGen allele CA5525246.